The following is an entry in ClinVar:

NM_000037.4(ANK1):c.5123C>T (p.Ser1708Leu)

Gene: ANK1 (ankyrin 1; minus strand). Cytogenetic location: 8p11.21.
Variant type: single nucleotide variant.
Coding change: c.5123C>T on transcript NM_000037.4 (MANE Select); coding-DNA position 5123, C replaced by T.
Protein change: p.Ser1708Leu; replaces serine 1708 with leucine.
Molecular consequence: missense variant.
Genome position (GRCh38, 1-based): chr8:41,668,538, G>A on the plus strand (C>T on the coding strand, the complement: ANK1 is on the minus strand). VCF-style: chr8-41668538-G-A. GRCh37 (hg19) VCF-style: chr8-41526056-G-A.
Other names: c.5246C>T, p.Ser1749Leu (NM_001142446.2); c.5123C>T, p.Ser1708Leu (NM_020475.3, NM_020476.3); c.4637C>T, p.Ser1546Leu (NM_020477.3); short protein forms S1546L, S1708L, S1749L.
Identifiers: ClinVar variation 4096058 (VCV004096058.3).

ClinVar aggregate classification (germline): Uncertain significance. Review status: criteria provided, multiple submitters, no conflicts (2 of 4 stars). 2 submissions from 2 submitters: Uncertain significance (2). Last evaluated 2025-08-29.

Conditions:
Inborn genetic diseases. Identifiers: MedGen C0950123, MeSH D030342.
Hereditary spherocytosis type 1. Also called: Spherocytosis type 1; ANK1-Related Spherocytosis. Identifiers: Orphanet 822, MedGen C2674218, MONDO:0008447, OMIM 182900.

gnomAD v4.1: 12 of 1,613,742 alleles (0.00074%); highest among the groups gnomAD compares: Admixed American, 0.0033%; no homozygotes.

Submissions (2):

Ambry Genetics
Classification: Uncertain significance for Inborn genetic diseases. Last evaluated: 2025-08-29. Review status: criteria provided, single submitter. Criteria: Ambry Variant Classification Scheme 2023. Collection method: clinical testing. Allele origin: germline.

Juno Genomics, Hangzhou Juno Genomics, Inc
Classification: Uncertain significance for Hereditary spherocytosis type 1. Review status: criteria provided, single submitter. Criteria: ACMG Guidelines, 2015. Collection method: clinical testing. Allele origin: germline.
Comment: Absent from controls (or at extremely low frequency if recessive) in Genome Aggregation Database.;Missense variant in a gene that has a low rate of benign missense variation.